The following is an entry in ClinVar:

ClinVar aggregate classification (germline): Uncertain significance (1 of 4 stars; one submission).

Allele frequency attached by ClinVar (database versions not stated): TOPMed below 0.00001; gnomAD exomes 0.00002.
gnomAD v4.1: 27 of 1,209,065 alleles (0.0022%); highest among the groups gnomAD compares: Non-Finnish European, 0.003%; no homozygotes.

Submission:

Labcorp Genetics (formerly Invitae), Labcorp
Classification: Uncertain significance. Last evaluated: 2022-06-25. Review status: criteria provided, single submitter. Criteria: Invitae Variant Classification Sherloc (09022015). Collection method: clinical testing. Allele origin: germline.
Comment: In summary, the available evidence is currently insufficient to determine the role of this variant in disease. Therefore, it has been classified as a Variant of Uncertain Significance. Advanced modeling of protein sequence and biophysical properties (such as structural, functional, and spatial information, amino acid conservation, physicochemical variation, residue mobility, and thermodynamic stability) performed at Invitae indicates that this missense variant is not expected to disrupt PHEX protein function. This variant has not been reported in the literature in individuals affected with PHEX-related conditions. This variant is present in population databases (no rsID available, gnomAD 0.02%). This sequence change replaces threonine, which is neutral and polar, with arginine, which is basic and polar, at codon 190 of the PHEX protein (p.Thr190Arg).

NM_000444.6(PHEX):c.569C>G (p.Thr190Arg)

Gene: PHEX (phosphate regulating endopeptidase X-linked; plus strand). Cytogenetic location: Xp22.11.
Variant type: single nucleotide variant.
Coding change: c.569C>G on transcript NM_000444.6 (MANE Select); coding-DNA position 569, C replaced by G.
Protein change: p.Thr190Arg; replaces threonine 190 with arginine.
Molecular consequence: missense variant.
Genome position (GRCh38, 1-based): chrX:22,077,608, C>G. VCF-style: chrX-22077608-C-G. GRCh37 (hg19) VCF-style: chrX-22095726-C-G.
Other names: c.569C>G, p.Thr190Arg (NM_001282754.2); short protein forms T190R.
Identifiers: ClinVar variation 1941540 (VCV001941540.5), dbSNP rs1450543915, ClinGen allele CA412571508.